The following is an entry in ClinVar:

ClinVar aggregate classification (germline): Likely benign (0 of 4 stars; one submission).

Conditions:
NINL-related disorder. Also called: NINL-related condition.

Submission:

PreventionGenetics, part of Exact Sciences
Classification: Likely benign for NINL-related condition. Last evaluated: 2020-05-05. Review status: no assertion criteria provided. Collection method: clinical testing. Allele origin: germline.
Comment: This variant is classified as likely benign based on ACMG/AMP sequence variant interpretation guidelines (Richards et al. 2015 PMID: 25741868, with internal and published modifications).

NM_025176.6(NINL):c.4142_4143del (p.Ser1381fs)

Gene: NINL (ninein like; minus strand). Cytogenetic location: 20p11.21.
Variant type: Microsatellite.
Coding change: c.4142_4143del on transcript NM_025176.6 (MANE Select); coding-DNA positions 4142 to 4143, 2 bases deleted (CT; older notation c.4142_4143delCT).
Protein change: p.Ser1381fs; shifts the reading frame from serine 1381.
Molecular consequence: frameshift variant.
Genome position (GRCh38, 1-based): chr20:25,453,457-25,453,458, AG deleted on the plus strand (CT on the coding strand, the reverse complement: NINL is on the minus strand); deleting any 2 consecutive bases within chr20:25,453,457-25,453,462 gives the same sequence; the c. name uses the placement nearest the transcript's 3' end. VCF-style (leftmost placement, unchanged base first): chr20-25453456-CAG-C. GRCh37 (hg19) VCF-style: chr20-25434092-CAG-C.
Other names: c.3095_3096del, p.Ser1032fs (NM_001318226.2); short protein forms S1032fs, S1381fs.
Identifiers: ClinVar variation 3044695 (VCV003044695.2), dbSNP rs142680711, ClinGen allele CA9796628.